The following is an entry in ClinVar:

NM_001267550.2(TTN):c.2270C>T (p.Pro757Leu)

Gene: TTN (titin; minus strand). Cytogenetic location: 2q31.2.
Variant type: single nucleotide variant.
Coding change: c.2270C>T on transcript NM_001267550.2 (MANE Select); coding-DNA position 2270, C replaced by T.
Protein change: p.Pro757Leu; replaces proline 757 with leucine.
Molecular consequence: missense variant.
Genome position (GRCh38, 1-based): chr2:178,785,948, G>A on the plus strand (C>T on the coding strand, the complement: TTN is on the minus strand). VCF-style: chr2-178785948-G-A. GRCh37 (hg19) VCF-style: chr2-179650675-G-A.
Other names: p.P757L:CCC>CTC; c.2270C>T (NM_001267550.1); c.2270C>T, p.Pro757Leu (NM_133379.5, NM_001256850.1, NM_133378.4); c.2132C>T, p.Pro711Leu (NM_133432.3, NM_133437.4, NM_003319.4); short protein forms P757L, P711L.
Identifiers: ClinVar variation 46779 (VCV000046779.44), dbSNP rs116307796, ClinGen allele CA282987.

ClinVar aggregate classification (germline): Benign/Likely benign. Review status: criteria provided, multiple submitters, no conflicts (2 of 4 stars). 24 submissions from 17 submitters: Benign (16); Likely benign (5). 3 of the submissions do not count toward it. Last evaluated 2026-02-03.

Conditions:
Cardiovascular phenotype. Identifiers: MedGen CN230736.
Autosomal recessive limb-girdle muscular dystrophy type 2J (LGMDR10). Also called: Limb-girdle muscular dystrophy, type 2J; MUSCULAR DYSTROPHY, LIMB-GIRDLE, AUTOSOMAL RECESSIVE 10. Identifiers: Orphanet 140922, MedGen C1837342, MONDO:0012127, OMIM 608807.
Dilated cardiomyopathy 1G (CMD1G). Identifiers: Orphanet 154, MedGen C1858763, MONDO:0011400, OMIM 604145.
Cardiomyopathy (CMYO). Also called: Cardiomyopathies. Identifiers: Orphanet 167848, MedGen C0878544, MONDO:0004994, HP:0001638. Inheritance: Various modes of inheritance.
Early-onset myopathy with fatal cardiomyopathy (CMYO5). Also called: Salih Myopathy; CONGENITAL MYOPATHY 5 WITH CARDIOMYOPATHY. Identifiers: Orphanet 289377, MedGen C2673677, MONDO:0012714, OMIM 611705. Disease mechanism: loss of function.
Myopathy, myofibrillar, 9, with early respiratory failure (MFM9). Also called: Hereditary myopathy with early respiratory failure; EDSTROM MYOPATHY; MYOPATHY, PROXIMAL, WITH EARLY RESPIRATORY MUSCLE INVOLVEMENT; Myopathy, distal, with early respiratory failure, autosomal dominant. Identifiers: Orphanet 178464, Orphanet 34521, MedGen C1863599, MONDO:0011362, OMIM 603689.
Tibial muscular dystrophy (TMD). Also called: UDD MYOPATHY; Udd Distal Myopathy – Tibial Muscular Dystrophy; Tibial muscular dystrophy, tardive. Identifiers: Orphanet 609, MedGen C1838244, MONDO:0010870, OMIM 600334.

Allele frequency attached by ClinVar (database versions not stated): 1000 Genomes Project 0.00479; 1000 Genomes Project 30x 0.00578; gnomAD 0.00586; TOPMed 0.00615; ESP Exome Variant Server 0.00715.
gnomAD v4.1: 1,592 of 1,614,142 alleles (0.099%); highest among the groups gnomAD compares: African/African-American, 1.9%; 12 homozygotes.

Submissions (24):

Labcorp Genetics (formerly Invitae), Labcorp
Classification: Benign for Dilated cardiomyopathy 1G; Autosomal recessive limb-girdle muscular dystrophy type 2J. Last evaluated: 2026-02-03. Review status: criteria provided, single submitter. Criteria: Invitae Variant Classification Sherloc (09022015). Collection method: clinical testing. Allele origin: germline.

Molecular Diagnostic Laboratory for Inherited Cardiovascular Disease, Montreal Heart Institute
Classification: Benign. Last evaluated: 2025-04-09. Review status: criteria provided, single submitter. Criteria: ACMG Guidelines, 2015. Collection method: clinical testing. Allele origin: germline. Affected: no.

Blueprint Genetics
Classification: Likely benign. Last evaluated: 2024-08-28. Review status: criteria provided, single submitter. Criteria: ACMG Guidelines, 2015. Collection method: clinical testing. Allele origin: germline.

ARUP Laboratories, Molecular Genetics and Genomics, ARUP Laboratories
Classification: Benign. Last evaluated: 2024-06-21. Review status: criteria provided, single submitter. Criteria: ARUP Molecular Germline Variant Investigation Process 2024. Collection method: clinical testing. Allele origin: germline.

Athena Diagnostics
Classification: Benign. Last evaluated: 2024-05-20. Review status: criteria provided, single submitter. Criteria: Athena Diagnostics Criteria. Collection method: clinical testing. Allele origin: unknown.

Genome-Nilou Lab
Classification: Benign for Autosomal recessive limb-girdle muscular dystrophy type 2J. Last evaluated: 2021-09-10. Review status: criteria provided, single submitter. Criteria: ACMG Guidelines, 2015. Collection method: clinical testing. Allele origin: germline. Affected: no.

Genome-Nilou Lab
Classification: Benign for Myopathy, myofibrillar, 9, with early respiratory failure. Last evaluated: 2021-09-10. Review status: criteria provided, single submitter. Criteria: ACMG Guidelines, 2015. Collection method: clinical testing. Allele origin: germline. Affected: no.

Genome-Nilou Lab
Classification: Benign for Early-onset myopathy with fatal cardiomyopathy. Last evaluated: 2021-09-10. Review status: criteria provided, single submitter. Criteria: ACMG Guidelines, 2015. Collection method: clinical testing. Allele origin: germline. Affected: no.

Genome-Nilou Lab
Classification: Benign for Tibial muscular dystrophy. Last evaluated: 2021-09-10. Review status: criteria provided, single submitter. Criteria: ACMG Guidelines, 2015. Collection method: clinical testing. Allele origin: germline. Affected: no.

CHEO Genetics Diagnostic Laboratory, Children's Hospital of Eastern Ontario
Classification: Benign for Cardiomyopathy. Last evaluated: 2020-11-13. Review status: criteria provided, single submitter. Criteria: ACMG Guidelines, 2015. Collection method: clinical testing. Allele origin: germline.

Women's Health and Genetics/Laboratory Corporation of America, LabCorp
Classification: Likely benign. Last evaluated: 2020-10-17. Review status: criteria provided, single submitter. Criteria: LabCorp Variant Classification Summary - May 2015. Collection method: clinical testing. Allele origin: germline.

Mayo Clinic Laboratories, Mayo Clinic
Classification: Benign. Last evaluated: 2018-01-17. Review status: criteria provided, single submitter. Criteria: ACMG Guidelines, 2015. Collection method: clinical testing. Allele origin: germline. Observed: 17 variant alleles.

Illumina Laboratory Services, Illumina
Classification: Benign for Myopathy, myofibrillar, 9, with early respiratory failure. Last evaluated: 2018-01-12. Review status: criteria provided, single submitter. Criteria: ICSL Variant Classification Criteria 13 December 2019. Collection method: clinical testing. Allele origin: germline.
Comment: This variant was observed in the ICSL laboratory as part of a predisposition screen in an ostensibly healthy population. It had not been previously curated by ICSL or reported in the Human Gene Mutation Database (HGMD: prior to June 1st, 2018), and was therefore a candidate for classification through an automated scoring system. Utilizing variant allele frequency, disease prevalence and penetrance estimates, and inheritance mode, an automated score was calculated to assess if this variant is too frequent to cause the disease. Based on the score and internal cut-off values, a variant classified as benign is not then subjected to further curation. The score for this variant resulted in a classification of benign for this disease.

Illumina Laboratory Services, Illumina
Classification: Likely benign for Early-onset myopathy with fatal cardiomyopathy. Last evaluated: 2018-01-12. Review status: criteria provided, single submitter. Criteria: ICSL Variant Classification Criteria 13 December 2019. Collection method: clinical testing. Allele origin: germline.
Comment: This variant was observed in the ICSL laboratory as part of a predisposition screen in an ostensibly healthy population. It had not been previously curated by ICSL or reported in the Human Gene Mutation Database (HGMD: prior to June 1st, 2018), and was therefore a candidate for classification through an automated scoring system. Utilizing variant allele frequency, disease prevalence and penetrance estimates, and inheritance mode, an automated score was calculated to assess if this variant is too frequent to cause the disease. Based on the score and internal cut-off values, a variant classified as likely benign is not then subjected to further curation. The score for this variant resulted in a classification of likely benign for this disease.

Illumina Laboratory Services, Illumina
Classification: Benign for Tibial muscular dystrophy. Last evaluated: 2018-01-12. Review status: criteria provided, single submitter. Criteria: ICSL Variant Classification Criteria 13 December 2019. Collection method: clinical testing. Allele origin: germline.
Comment: the same text as in the submission from Illumina Laboratory Services, Illumina above.

Illumina Laboratory Services, Illumina
Classification: Likely benign for Autosomal recessive limb-girdle muscular dystrophy type 2J. Last evaluated: 2018-01-12. Review status: criteria provided, single submitter. Criteria: ICSL Variant Classification Criteria 13 December 2019. Collection method: clinical testing. Allele origin: germline.
Comment: the same text as in the submission from Illumina Laboratory Services, Illumina above.

Illumina Laboratory Services, Illumina
Classification: Likely benign for Dilated cardiomyopathy 1G. Last evaluated: 2018-01-12. Review status: criteria provided, single submitter. Criteria: ICSL Variant Classification Criteria 13 December 2019. Collection method: clinical testing. Allele origin: germline.
Comment: the same text as in the submission from Illumina Laboratory Services, Illumina above.

Ambry Genetics
Classification: Benign for Cardiovascular phenotype. Last evaluated: 2015-12-31. Review status: criteria provided, single submitter. Criteria: Ambry Variant Classification Scheme 2023. Collection method: clinical testing. Allele origin: germline.

GeneDx
Classification: Benign. Last evaluated: 2013-12-31. Review status: criteria provided, single submitter. Criteria: GeneDx Variant Classification (06012015). Collection method: clinical testing. Allele origin: germline. Affected: yes.
Comment: This variant is considered likely benign or benign based on one or more of the following criteria: it is a conservative change, it occurs at a poorly conserved position in the protein, it is predicted to be benign by multiple in silico algorithms, and/or has population frequency not consistent with disease.

Biesecker Lab/Clinical Genomics Section, National Institutes of Health
Classification: Benign. Last evaluated: 2013-06-24. Review status: criteria provided, single submitter. Criteria: Ng et al. (Circ Cardiovasc Genet. 2013). Collection method: research. Allele origin: unknown. Observed: 1 variant allele. Study: ClinSeq.
Comment: The study set was not selected for affection status in relation to any cancer. Pathogenicity categories were based on literature curation. See Pubmed ID:23861362 for details.

Medical sequencing

Laboratory for Molecular Medicine, Mass General Brigham Personalized Medicine
Classification: Benign. Last evaluated: 2012-03-19. Review status: criteria provided, single submitter. Criteria: LMM Criteria. Collection method: clinical testing. Allele origin: germline. Observed: 14 variant alleles.
Comment: Pro757Leu in exon 14: This variant is not expected to have clinical significance because it has been identified in 2.0% (77/3738) of African American chromosome s from a broad population by the NHLBI Exome Sequencing Project (dbSNP rs116307796)

Clinical Genetics DNA and cytogenetics Diagnostics Lab, Erasmus MC, Erasmus Medical Center
Classification: Benign. Review status: no assertion criteria provided. Collection method: clinical testing. Allele origin: germline. Affected: yes. Study: VKGL Data-share Consensus. Not counted in ClinVar's aggregate classification.

Clinical Genetics, Academic Medical Center
Classification: Benign. Review status: no assertion criteria provided. Collection method: clinical testing. Allele origin: germline. Affected: yes. Study: VKGL Data-share Consensus. Not counted in ClinVar's aggregate classification.

Joint Genome Diagnostic Labs from Nijmegen and Maastricht, Radboudumc and MUMC+
Classification: Benign. Review status: no assertion criteria provided. Collection method: clinical testing. Allele origin: germline. Affected: yes. Study: VKGL Data-share Consensus. Not counted in ClinVar's aggregate classification.

Literature cited by the submitters: PubMed 23861362 (cited by Athena Diagnostics).